The following is an entry in ClinVar:

ClinVar aggregate classification (germline): Pathogenic (1 of 4 stars; one submission).

Conditions:
Developmental and epileptic encephalopathy, 2 (DEE2). Also called: INFANTILE SPASM SYNDROME, X-LINKED 2; CDKL5 deficiency disorder. Identifiers: Orphanet 1934, Orphanet 3451, Orphanet 505652, MedGen C4750718, MONDO:0010396, OMIM 300672.
Angelman syndrome-like. Identifiers: MedGen CN128785.

Submission:

Labcorp Genetics (formerly Invitae), Labcorp
Classification: Pathogenic for Developmental and epileptic encephalopathy, 2; Angelman syndrome-like. Last evaluated: 2023-08-10. Review status: criteria provided, single submitter. Criteria: Invitae Variant Classification Sherloc (09022015). Collection method: clinical testing. Allele origin: germline.
Comment: This sequence change falls in intron 7 of the CDKL5 gene. It does not directly change the encoded amino acid sequence of the CDKL5 protein. It affects a nucleotide within the consensus splice site. This variant is not present in population databases (gnomAD no frequency). This variant has been observed in individual(s) with CDKL5-related conditions (Invitae). In at least one individual the variant was observed to be de novo. ClinVar contains an entry for this variant (Variation ID: 2036013). Variants that disrupt the consensus splice site are a relatively common cause of aberrant splicing (PMID: 17576681, 9536098). Algorithms developed to predict the effect of sequence changes on RNA splicing suggest that this variant may disrupt the consensus splice site. For these reasons, this variant has been classified as Pathogenic.

Literature cited by the submitters: PubMed 17576681; PubMed 9536098.

NM_001323289.2(CDKL5):c.464-3C>G

Gene: CDKL5 (cyclin dependent kinase like 5; plus strand). Cytogenetic location: Xp22.13.
Variant type: single nucleotide variant.
Coding change: c.464-3C>G on transcript NM_001323289.2 (MANE Select); 3 bases into the intron before coding-DNA position 464, C replaced by G.
Molecular consequence: intron variant.
Genome position (GRCh38, 1-based): chrX:18,584,260, C>G. VCF-style: chrX-18584260-C-G. GRCh37 (hg19) VCF-style: chrX-18602380-C-G.
Other names: c.464-3C>G (NM_003159.3, NM_001037343.2).
Identifiers: ClinVar variation 2036013 (VCV002036013.4), dbSNP rs2518853437, ClinGen allele CA2580100394.